The following is an entry in ClinVar:

ClinVar aggregate classification (germline): Uncertain significance (1 of 4 stars; one submission).

gnomAD v4.1: 67 of 1,592,228 alleles (0.0042%); highest among the groups gnomAD compares: Non-Finnish European, 0.0055%; no homozygotes.

Submission:

Labcorp Genetics (formerly Invitae), Labcorp
Classification: Uncertain significance. Last evaluated: 2025-02-18. Review status: criteria provided, single submitter. Criteria: Invitae Variant Classification Sherloc (09022015). Collection method: clinical testing. Allele origin: germline.
Comment: This sequence change replaces threonine, which is neutral and polar, with alanine, which is neutral and non-polar, at codon 32 of the TRIP13 protein (p.Thr32Ala). This variant is present in population databases (rs760118435, gnomAD 0.003%). This variant has not been reported in the literature in individuals affected with TRIP13-related conditions. An algorithm developed to predict the effect of missense changes on protein structure and function (PolyPhen-2) suggests that this variant is likely to be tolerated. In summary, the available evidence is currently insufficient to determine the role of this variant in disease. Therefore, it has been classified as a Variant of Uncertain Significance.

NM_004237.4(TRIP13):c.94A>G (p.Thr32Ala)

Gene: TRIP13 (thyroid hormone receptor interactor 13; plus strand). Cytogenetic location: 5p15.33.
Variant type: single nucleotide variant.
Coding change: c.94A>G on transcript NM_004237.4 (MANE Select); coding-DNA position 94, A replaced by G.
Protein change: p.Thr32Ala; replaces threonine 32 with alanine.
Molecular consequence: missense variant.
Genome position (GRCh38, 1-based): chr5:894,788, A>G. VCF-style: chr5-894788-A-G. GRCh37 (hg19) VCF-style: chr5-894903-A-G.
Other names: c.94A>G, p.Thr32Ala (NM_001166260.2); short protein forms T32A.
Identifiers: ClinVar variation 3693253 (VCV003693253.2).